The following is an entry in ClinVar:

ClinVar aggregate classification (germline): Uncertain significance (1 of 4 stars; one submission).

Conditions:
Aortic aneurysm, familial thoracic 7 (AAT7). Also called: AORTIC DISSECTION, FAMILIAL, WITH OR WITHOUT AORTIC ANEURYSM. Identifiers: MedGen C3151077, MONDO:0013418, OMIM 613780.

gnomAD v4.1: 3 of 1,614,154 alleles (0.00019%); highest among the groups gnomAD compares: Non-Finnish European, 0.00017%; no homozygotes.

Submission:

Labcorp Genetics (formerly Invitae), Labcorp
Classification: Uncertain significance for Aortic aneurysm, familial thoracic 7. Last evaluated: 2024-05-12. Review status: criteria provided, single submitter. Criteria: Invitae Variant Classification Sherloc (09022015). Collection method: clinical testing. Allele origin: germline.
Comment: This sequence change replaces arginine, which is basic and polar, with proline, which is neutral and non-polar, at codon 926 of the MYLK protein (p.Arg926Pro). This variant is not present in population databases (gnomAD no frequency). This variant has not been reported in the literature in individuals affected with MYLK-related conditions. Advanced modeling of protein sequence and biophysical properties (such as structural, functional, and spatial information, amino acid conservation, physicochemical variation, residue mobility, and thermodynamic stability) performed at Invitae indicates that this missense variant is not expected to disrupt MYLK protein function with a negative predictive value of 80%. In summary, the available evidence is currently insufficient to determine the role of this variant in disease. Therefore, it has been classified as a Variant of Uncertain Significance.

NM_053025.4(MYLK):c.2777G>C (p.Arg926Pro)

Gene: MYLK (myosin light chain kinase; minus strand). Cytogenetic location: 3q21.1.
Variant type: single nucleotide variant.
Coding change: c.2777G>C on transcript NM_053025.4 (MANE Select); coding-DNA position 2777, G replaced by C.
Protein change: p.Arg926Pro; replaces arginine 926 with proline.
Molecular consequence: missense variant.
Genome position (GRCh38, 1-based): chr3:123,700,691, C>G on the plus strand (G>C on the coding strand, the complement: MYLK is on the minus strand). VCF-style: chr3-123700691-C-G. GRCh37 (hg19) VCF-style: chr3-123419538-C-G.
Other names: c.2249G>C, p.Arg750Pro (NM_001321309.2); c.2570G>C, p.Arg857Pro (NM_053026.4, NM_053028.4); c.2777G>C, p.Arg926Pro (NM_053027.4); short protein forms R926P, R750P, R857P.
Identifiers: ClinVar variation 3705520 (VCV003705520.2).